The following is an entry in ClinVar:

NM_014946.4(SPAST):c.1229G>T (p.Ser410Ile)

Gene: SPAST (spastin; plus strand). Cytogenetic location: 2p22.3.
Variant type: single nucleotide variant.
Coding change: c.1229G>T on transcript NM_014946.4 (MANE Select); coding-DNA position 1229, G replaced by T.
Protein change: p.Ser410Ile; replaces serine 410 with isoleucine.
Molecular consequence: missense variant.
Genome position (GRCh38, 1-based): chr2:32,128,463, G>T. VCF-style: chr2-32128463-G-T. GRCh37 (hg19) VCF-style: chr2-32353532-G-T.
Other names: c.1226G>T, p.Ser409Ile (NM_001363823.2); c.1130G>T, p.Ser377Ile (NM_001363875.2); c.1133G>T, p.Ser378Ile (NM_199436.2, NM_001377959.1); short protein forms S409I, S377I, S410I, S378I.
Identifiers: ClinVar variation 2008082 (VCV002008082.5), dbSNP rs2465864926, ClinGen allele CA346501483.

ClinVar aggregate classification (germline): Uncertain significance. Review status: criteria provided, multiple submitters, no conflicts (2 of 4 stars). 2 submissions from 2 submitters: Uncertain significance (2). Last evaluated 2023-09-25.

Conditions:
SPAST-related disorder. Also called: SPAST-related condition.
Hereditary spastic paraplegia 4. Also called: Spastic Paraplegia 4; Spastic paraplegia 4, autosomal dominant; Familial spastic paraplegia autosomal dominant 2. Identifiers: Orphanet 100985, MedGen C1866855, MONDO:0008438, OMIM 182601.

Submissions (2):

Labcorp Genetics (formerly Invitae), Labcorp
Classification: Uncertain significance for Hereditary spastic paraplegia 4. Last evaluated: 2023-09-25. Review status: criteria provided, single submitter. Criteria: Invitae Variant Classification Sherloc (09022015). Collection method: clinical testing. Allele origin: germline.
Comment: This variant is not present in population databases (gnomAD no frequency). This sequence change replaces serine, which is neutral and polar, with isoleucine, which is neutral and non-polar, at codon 410 of the SPAST protein (p.Ser410Ile). This variant has not been reported in the literature in individuals affected with SPAST-related conditions. ClinVar contains an entry for this variant (Variation ID: 2008082). Advanced modeling of protein sequence and biophysical properties (such as structural, functional, and spatial information, amino acid conservation, physicochemical variation, residue mobility, and thermodynamic stability) has been performed at Invitae for this missense variant, however the output from this modeling did not meet the statistical confidence thresholds required to predict the impact of this variant on SPAST protein function. In summary, the available evidence is currently insufficient to determine the role of this variant in disease. Therefore, it has been classified as a Variant of Uncertain Significance.

PreventionGenetics, part of Exact Sciences
Classification: Uncertain significance for SPAST-related condition. Last evaluated: 2022-08-29. Review status: criteria provided, single submitter. Criteria: ACMG Guidelines, 2015. Collection method: clinical testing. Allele origin: germline.
Comment: The SPAST c.1229G>T variant is predicted to result in the amino acid substitution p.Ser410Ile. To our knowledge, this variant has not been reported in the literature or in a large population database, indicating this variant is rare. At this time, the clinical significance of this variant is uncertain due to the absence of conclusive functional and genetic evidence.